The following is an entry in ClinVar:

ClinVar aggregate classification (germline): Likely pathogenic (1 of 4 stars; one submission).

Conditions:
DYNC1H1-related disorder. Also called: DYNC1H1-related condition; DYNC1H1-related disorders. Identifiers: MedGen CN381529.
Cortical dysplasia, complex, with other brain malformations 13. Also called: Intellectual disability, autosomal dominant 13. Identifiers: MedGen C3281202, MONDO:0013805, OMIM 614563.

Submission:

Genetic Services Laboratory, University of Chicago
Classification: Likely pathogenic for Mental retardation, autosomal dominant 13. Last evaluated: 2016-06-28. Review status: criteria provided, single submitter. Criteria: ACMG Guidelines, 2015. Collection method: clinical testing. Allele origin: germline. Affected: yes.

NM_001376.5(DYNC1H1):c.9959C>T (p.Ala3320Val)

Gene: DYNC1H1 (dynein cytoplasmic 1 heavy chain 1; plus strand). Cytogenetic location: 14q32.31.
Variant type: single nucleotide variant.
Coding change: c.9959C>T on transcript NM_001376.5 (MANE Select); coding-DNA position 9959, C replaced by T.
Protein change: p.Ala3320Val; replaces alanine 3320 with valine.
Molecular consequence: missense variant.
Genome position (GRCh38, 1-based): chr14:102,032,347, C>T. VCF-style: chr14-102032347-C-T. GRCh37 (hg19) VCF-style: chr14-102498684-C-T.
Other names: short protein forms A3320V.
Identifiers: ClinVar variation 434992 (VCV000434992.7), dbSNP rs1555411305, ClinGen allele CA391020479.
Genomic context (GRCh38, chr14:102,032,347, plus strand): 5'-AGAAGCAGCACCTGGTGGAGGTGAGGTCCATGGCCAACCCTCCTGCTGCTGTGAAGCTGG[C>T]GCTGGAGTCCATCTGCCTGCTGCTGGGGGAAAGCACCACAGACTGGAAGCAGATCCGCTC-3'
Protein context (NP_001367.2, residues 3310-3330): MANPPAAVKL[Ala3320Val]LESICLLLGE